The following is an entry in ClinVar:

NM_017950.4(CCDC40):c.1989+1G>A

Gene: CCDC40 (coiled-coil domain 40 molecular ruler complex subunit; plus strand). Cytogenetic location: 17q25.3.
Variant type: single nucleotide variant.
Coding change: c.1989+1G>A on transcript NM_017950.4 (MANE Select); the canonical splice donor site of the intron after coding-DNA position 1989, G replaced by A.
Molecular consequence: splice donor variant.
Genome position (GRCh38, 1-based): chr17:80,082,059, G>A. VCF-style: chr17-80082059-G-A. GRCh37 (hg19) VCF-style: chr17-78055858-G-A.
Other names: c.1989+1G>A (NM_001243342.2).
Identifiers: ClinVar variation 488402 (VCV000488402.10), dbSNP rs745993158, ClinGen allele CA8814067.

ClinVar aggregate classification (germline): Pathogenic/Likely pathogenic. Review status: criteria provided, multiple submitters, no conflicts (2 of 4 stars). 3 submissions from 3 submitters: Pathogenic (1); Likely pathogenic (1). 1 of the submissions does not count toward it. Last evaluated 2026-02-18.

Conditions:
Kartagener syndrome (CILD1). Also called: Dextrocardia bronchiectasis and sinusitis; SIEWERT SYNDROME; POLYNESIAN BRONCHIECTASIS; CILIARY DYSKINESIA, PRIMARY, 1; CILIARY DYSKINESIA, PRIMARY, 1, WITH OR WITHOUT SITUS INVERSUS; IMMOTILE CILIA SYNDROME. Identifiers: Orphanet 244, MedGen C4551906, MONDO:0009484, OMIM 244400.
Primary ciliary dyskinesia. Also called: Ciliary dyskinesia. Identifiers: Orphanet 244, MedGen C0008780, MONDO:0016575, HP:0012265.

Allele frequency attached by ClinVar (database versions not stated): gnomAD exomes below 0.00001; ExAC 0.00001; TOPMed 0.00001.
gnomAD v4.1: 5 of 1,612,656 alleles (0.00031%); highest among the groups gnomAD compares: Non-Finnish European, 0.00034%; no homozygotes.

Submissions (3):

Dasa
Classification: Likely pathogenic. Last evaluated: 2026-02-18. Review status: criteria provided, single submitter. Criteria: DASA Assertion Criteria. Collection method: clinical testing. Allele origin: germline.
Comment: NM_017950.4(CCDC40):c.1989+1G>A affects a canonical splice site and is predicted to disrupt normal RNA splicing. Loss of function is an established disease mechanism for CCDC40-associated disorders. This variant has been recurrently observed in individuals with CCDC40-related disorders (PMID: 31443223; PMID: 31213628). Also, this variant is rare in population databases. Based on the currently available evidence, this variant is classified as likely pathogenic.

Labcorp Genetics (formerly Invitae), Labcorp
Classification: Pathogenic for Primary ciliary dyskinesia. Last evaluated: 2025-02-17. Review status: criteria provided, single submitter. Criteria: Invitae Variant Classification Sherloc (09022015). Collection method: clinical testing. Allele origin: germline.
Comment: This sequence change affects a donor splice site in intron 12 of the CCDC40 gene. It is expected to disrupt RNA splicing. Variants that disrupt the donor or acceptor splice site typically lead to a loss of protein function (PMID: 16199547), and loss-of-function variants in CCDC40 are known to be pathogenic (PMID: 21131974, 22693285, 23255504). The frequency data for this variant in the population databases is considered unreliable, as metrics indicate poor data quality at this position in the gnomAD database. Disruption of this splice site has been observed in individual(s) with primary ciliary dyskinesia (PMID: 31213628, 31443223). In at least one individual the data is consistent with being in trans (on the opposite chromosome) from a pathogenic variant. ClinVar contains an entry for this variant (Variation ID: 488402). Algorithms developed to predict the effect of sequence changes on RNA splicing suggest that this variant may disrupt the consensus splice site. For these reasons, this variant has been classified as Pathogenic.

Laboratory of Cell Biology, Institute of Biomedical Sciences Abel Salazar University of Porto
Classification: Likely pathogenic for Kartagener syndrome. Last evaluated: 2017-03-13. Review status: no assertion criteria provided. Collection method: clinical testing. Allele origin: unknown. Inheritance: Autosomal recessive inheritance. Affected: yes. Observed: 1 variant allele, 1 compound heterozygote. Not counted in ClinVar's aggregate classification.
Comment: Bioinformatic tools predict as potentialy pathogenic. We interpret as likely compound heterozygous since we found other variant in the same gene, CCDC40: NM_017950.3:c.2824_2825insCTGT

Literature cited by the submitters: PubMed 31443223 (cited by Dasa and Labcorp Genetics (formerly Invitae), Labcorp); PubMed 31213628 (cited by Dasa and Labcorp Genetics (formerly Invitae), Labcorp); PubMed 16199547 (cited by Labcorp Genetics (formerly Invitae), Labcorp); PubMed 21131974 (cited by Labcorp Genetics (formerly Invitae), Labcorp); PubMed 22693285 (cited by Labcorp Genetics (formerly Invitae), Labcorp); PubMed 23255504 (cited by Labcorp Genetics (formerly Invitae), Labcorp).